The following is an entry in ClinVar:

ClinVar aggregate classification (germline): Uncertain significance (1 of 4 stars; one submission).

Conditions:
USP53-related disorder. Also called: USP53-related condition.

gnomAD v4.1: 5 of 1,613,220 alleles (0.00031%); highest among the groups gnomAD compares: Non-Finnish European, 0.00042%; no homozygotes.

Submission:

PreventionGenetics, part of Exact Sciences
Classification: Uncertain significance for USP53-related condition. Last evaluated: 2026-05-22. Review status: criteria provided, single submitter. Criteria: ACMG Guidelines, 2015. Collection method: clinical testing. Allele origin: germline.
Comment: The USP53 c.791G>A variant is predicted to result in the amino acid substitution p.Arg264Gln. To our knowledge, this variant has not been reported in the literature. This variant is reported in 0.00088% of alleles in individuals of European (Non-Finnish) descent in gnomAD. At this time, the clinical significance of this variant is uncertain due to the absence of conclusive functional and genetic evidence.

NM_001371395.1(USP53):c.791G>A (p.Arg264Gln)

Gene: USP53 (ubiquitin specific peptidase 53; plus strand). Cytogenetic location: 4q26.
Variant type: single nucleotide variant.
Coding change: c.791G>A on transcript NM_001371395.1 (MANE Select); coding-DNA position 791, G replaced by A.
Protein change: p.Arg264Gln; replaces arginine 264 with glutamine.
Molecular consequence: missense variant.
Genome position (GRCh38, 1-based): chr4:119,260,622, G>A. VCF-style: chr4-119260622-G-A. GRCh37 (hg19) VCF-style: chr4-120181777-G-A.
Other names: c.791G>A, p.Arg264Gln (NM_001371396.1, NM_001371397.1, NM_001371398.1 and 6 more transcripts); c.443G>A, p.Arg148Gln (NM_001389662.1, NM_001389663.1, NM_001389664.1 and 3 more transcripts); short protein forms R148Q, R264Q.
Identifiers: ClinVar variation 4988069 (VCV004988069.1).